The following is an entry in ClinVar:

ClinVar aggregate classification (germline): Benign/Likely benign. Review status: criteria provided, multiple submitters, no conflicts (2 of 4 stars). 4 submissions from 4 submitters: Benign (2); Likely benign (2). Last evaluated 2025-10-26.

Conditions:
Focal segmental glomerulosclerosis 3, susceptibility to (FSGS3). Identifiers: Orphanet 656, MedGen C1842982, MONDO:0011917, OMIM 607832.

Allele frequency attached by ClinVar (database versions not stated): gnomAD 0.00074 and 0.00109; TOPMed 0.00092; ESP Exome Variant Server 0.00123; ExAC 0.00181; 1000 Genomes Project 30x 0.00406; 1000 Genomes Project 0.00459.
gnomAD v4.1: 1,153 of 1,613,250 alleles (0.071%); highest among the groups gnomAD compares: South Asian, 0.94%; 15 homozygotes.

Submissions (5):

Labcorp Genetics (formerly Invitae), Labcorp
Classification: Benign. Last evaluated: 2025-10-26. Review status: criteria provided, single submitter. Criteria: Invitae Variant Classification Sherloc (09022015). Collection method: clinical testing. Allele origin: germline.

CeGaT Center for Human Genetics Tuebingen
Classification: Benign. Last evaluated: 2023-04-01. Review status: criteria provided, single submitter. Criteria: CeGaT Center For Human Genetics Tuebingen Variant Classification Criteria Version 2. Collection method: clinical testing. Allele origin: germline. Affected: yes. Observed: 1 variant allele.
Comment: CD2AP: BP4, BS1, BS2

Illumina Laboratory Services, Illumina
Classification: Likely benign for Focal segmental glomerulosclerosis 3, susceptibility to. Last evaluated: 2017-04-27. Review status: criteria provided, single submitter. Criteria: ICSL Variant Classification Criteria 13 December 2019. Collection method: clinical testing. Allele origin: germline.
Comment: This variant was observed as part of a predisposition screen in an ostensibly healthy population. A literature search was performed for the gene, cDNA change, and amino acid change (where applicable). No publications were found based on this search. Allele frequency data from public databases allowed determination this variant is unlikely to cause disease. Therefore, this variant is classified as likely benign.

Breakthrough Genomics
Classification: Likely benign. Review status: criteria provided, single submitter. Criteria: ACMG Guidelines, 2015. Collection method: not provided. Allele origin: germline. Inheritance: Unknown mechanism. Affected: yes.

Dr. Peter K. Rogan Lab, Western University
No classification provided (evidence only). Condition: Malignant tumor of urinary bladder. Review status: no classification provided. Collection method: in vitro. Allele origin: not applicable. Functional consequence: retained intron. Not counted in ClinVar's aggregate classification.

NM_012120.3(CD2AP):c.1673C>T (p.Ala558Val)

Gene: CD2AP (CD2 associated protein; plus strand). Cytogenetic location: 6p12.3.
Variant type: single nucleotide variant.
Coding change: c.1673C>T on transcript NM_012120.3 (MANE Select); coding-DNA position 1673, C replaced by T.
Protein change: p.Ala558Val; replaces alanine 558 with valine.
Molecular consequence: missense variant.
Genome position (GRCh38, 1-based): chr6:47,609,163, C>T. VCF-style: chr6-47609163-C-T. GRCh37 (hg19) VCF-style: chr6-47576899-C-T.
Other names: short protein forms A558V.
Identifiers: ClinVar variation 357179 (VCV000357179.39), dbSNP rs146444716, ClinGen allele CA3844431.